The following is an entry in ClinVar:

ClinVar aggregate classification (germline): Likely benign (1 of 4 stars; one submission).

Submission:

CeGaT Center for Human Genetics Tuebingen
Classification: Likely benign. Last evaluated: 2023-08-01. Review status: criteria provided, single submitter. Criteria: CeGaT Center For Human Genetics Tuebingen Variant Classification Criteria Version 2. Collection method: clinical testing. Allele origin: germline. Affected: yes. Observed: 1 variant allele.
Comment: LCE1F: PM2:Supporting, BP4, BP7

NM_178354.3(LCE1F):c.249T>C (p.Arg83=)

Gene: LCE1F (late cornified envelope 1F; plus strand). Cytogenetic location: 1q21.3.
Variant type: single nucleotide variant.
Coding change: c.249T>C on transcript NM_178354.3 (MANE Select); coding-DNA position 249, T replaced by C.
Protein change: p.Arg83=; no amino-acid change (arginine 83 retained).
Molecular consequence: synonymous variant.
Genome position (GRCh38, 1-based): chr1:152,776,620, T>C. VCF-style: chr1-152776620-T-C. GRCh37 (hg19) VCF-style: chr1-152749096-T-C.
Identifiers: ClinVar variation 2639341 (VCV002639341.24), dbSNP rs749984199, ClinGen allele CA420941461.